The following is an entry in ClinVar:

ClinVar aggregate classification (germline): Pathogenic/Likely pathogenic. Review status: criteria provided, multiple submitters, no conflicts (2 of 4 stars). 10 submissions from 10 submitters: Pathogenic (2); Likely pathogenic (4). 4 of the submissions do not count toward it. Last evaluated 2025-10-24.

Conditions:
SURF1-related disorder. Also called: SURF1-related condition.
Mitochondrial complex IV deficiency, nuclear type 1 (MC4DN1). Also called: Mitochondrial complex IV deficiency; Complex 4 mitochondrial respiratory chain deficiency; Deficiency of mitochondrial respiratory chain complex4; Complex IV deficiency; COX DEFICIENCY. Identifiers: MedGen C5435656, MONDO:0700250, OMIM 220110. Disease mechanism: loss of function.
Charcot-Marie-Tooth disease type 4K. Also called: CHARCOT-MARIE-TOOTH DISEASE, DEMYELINATING, TYPE 4K; CHARCOT-MARIE-TOOTH DISEASE, DEMYELINATING, AUTOSOMAL RECESSIVE, TYPE 4K; CHARCOT-MARIE-TOOTH NEUROPATHY, DEMYELINATING, AUTOSOMAL RECESSIVE, TYPE 4K. Identifiers: Orphanet 391351, MedGen C4225246, MONDO:0014733, OMIM 616684.

Allele frequency attached by ClinVar (database versions not stated): ExAC 0.00019; gnomAD 0.00036; 1000 Genomes Project 30x 0.00047; ESP Exome Variant Server 0.00056; gnomAD exomes 0.00062.

Submissions (10):

PreventionGenetics, part of Exact Sciences
Classification: Pathogenic for SURF1-related condition. Last evaluated: 2025-10-24. Review status: criteria provided, single submitter. Criteria: ACMG Guidelines, 2015. Collection method: clinical testing. Allele origin: germline.
Comment: The SURF1 c.311_312insA variant is predicted to result in a frameshift and premature protein termination (p.Leu105Serfs*14). This variant is listed in the publication as one obtained from ClinVar and is interpreted in ClinVar as pathogenic or likely pathogenic (Li et al., 2018; PubMed ID: 29933018; ClinVar ID: 444787). This variant is reported in 0.0093% of alleles in individuals of European (Non-Finnish) descent in gnomAD. Frameshift variants in SURF1 are expected to be pathogenic. This variant is interpreted as pathogenic.

Blueprint Genetics
Classification: Likely pathogenic for SURF1-related disorders. Last evaluated: 2024-11-20. Review status: criteria provided, single submitter. Criteria: ACMG Guidelines, 2015. Collection method: clinical testing. Allele origin: germline. Affected: yes. Observed: 5 variant alleles.

Centre of Medical Genetics, University Hospital Muenster
Classification: Likely pathogenic. Last evaluated: 2023-01-30. Review status: criteria provided, single submitter. Criteria: ACMG Guidelines, 2015. Collection method: clinical testing. Allele origin: unknown. Affected: yes. Observed: 1 variant allele.
Comment: ACMG categories: PVS1,PM1

Baylor Genetics
Classification: Pathogenic for Mitochondrial complex IV deficiency, nuclear type 1. Last evaluated: 2021-09-22. Review status: criteria provided, single submitter. Criteria: ACMG Guidelines, 2015. Collection method: clinical testing. Allele origin: unknown.

MGZ Medical Genetics Center
Classification: Likely pathogenic for Charcot-Marie-Tooth disease type 4K. Last evaluated: 2021-08-31. Review status: criteria provided, single submitter. Criteria: ACMG Guidelines, 2015. Collection method: clinical testing. Allele origin: germline. Affected: yes. Observed: 1 variant allele.
Comment: ACMG criteria applied: PVS1, PM2_SUP

CeGaT Center for Human Genetics Tuebingen
Classification: Likely pathogenic. Last evaluated: 2017-11-01. Review status: criteria provided, single submitter. Criteria: CeGaT Center For Human Genetics Tuebingen Variant Classification Criteria Version 2. Collection method: clinical testing. Allele origin: germline. Affected: yes. Observed: 1 variant allele.

Clinical Genetics DNA and cytogenetics Diagnostics Lab, Erasmus MC, Erasmus Medical Center
Classification: Pathogenic. Review status: no assertion criteria provided. Collection method: clinical testing. Allele origin: germline. Affected: yes. Study: VKGL Data-share Consensus. Not counted in ClinVar's aggregate classification.

Clinical Genetics, Academic Medical Center
Classification: Pathogenic. Review status: no assertion criteria provided. Collection method: clinical testing. Allele origin: germline. Affected: yes. Study: VKGL Data-share Consensus. Not counted in ClinVar's aggregate classification.

Diagnostic Laboratory, Department of Genetics, University Medical Center Groningen
Classification: Pathogenic. Review status: no assertion criteria provided. Collection method: clinical testing. Allele origin: germline. Affected: yes. Study: VKGL Data-share Consensus. Not counted in ClinVar's aggregate classification.

Laboratory of Diagnostic Genome Analysis, Leiden University Medical Center (LUMC)
Classification: Pathogenic. Review status: no assertion criteria provided. Collection method: clinical testing. Allele origin: germline. Affected: yes. Study: VKGL Data-share Consensus. Not counted in ClinVar's aggregate classification.

NM_003172.4(SURF1):c.311_312insA (p.Leu105fs)

Gene: SURF1 (SURF1 cytochrome c oxidase assembly factor; minus strand). Cytogenetic location: 9q34.2.
Variant type: Insertion.
Coding change: c.311_312insA on transcript NM_003172.4 (MANE Select); coding-DNA positions 311 to 312, A inserted.
Protein change: p.Leu105fs; shifts the reading frame from leucine 105.
Molecular consequence: frameshift variant. On other transcripts: 5 prime UTR variant (1).
Genome position: GRCh38 VCF-style: chr9-133354670-A-AT. GRCh37 (hg19) VCF-style: chr9-136221525-A-AT.
Other names: c.-17_-16insA (NM_001280787.1); c.311_312insA (NM_003172.3); short protein forms L105fs.
Identifiers: ClinVar variation 444787 (VCV000444787.52), dbSNP rs764928653, ClinGen allele CA200833343.